The following is an entry in ClinVar:

ClinVar aggregate classification (germline): Uncertain significance (1 of 4 stars; one submission).

Submission:

Dasa
Classification: Uncertain significance. Last evaluated: 2025-12-15. Review status: criteria provided, single submitter. Criteria: DASA Assertion Criteria. Collection method: clinical testing. Allele origin: germline.
Comment: NM_002470.4(MYH3):c.1729C>G (p.His577Asp) is a missense variant that results in the substitution of histidine with aspartic acid. This variant is absent from population databases. Computational prediction algorithms are consistent with a deleterious effect. The currently available literature and clinical evidence are not sufficient to establish a definitive association between this variant and the reported condition. Therefore, this variant is classified as a variant of uncertain significance.

NM_002470.4(MYH3):c.1729C>G (p.His577Asp)

Gene: MYH3 (myosin heavy chain 3; minus strand). Cytogenetic location: 17p13.1.
Variant type: single nucleotide variant.
Coding change: c.1729C>G on transcript NM_002470.4 (MANE Select); coding-DNA position 1729, C replaced by G.
Protein change: p.His577Asp; replaces histidine 577 with aspartic acid.
Molecular consequence: missense variant.
Genome position (GRCh38, 1-based): chr17:10,642,576, G>C on the plus strand (C>G on the coding strand, the complement: MYH3 is on the minus strand). VCF-style: chr17-10642576-G-C. GRCh37 (hg19) VCF-style: chr17-10545893-G-C.
Other names: short protein forms H577D.
Identifiers: ClinVar variation 4883348 (VCV004883348.2).